The following is an entry in ClinVar:

NM_013339.4(ALG6):c.1120A>G (p.Thr374Ala)

Gene: ALG6 (ALG6 alpha-1,3-glucosyltransferase; plus strand). Cytogenetic location: 1p31.3.
Variant type: single nucleotide variant.
Coding change: c.1120A>G on transcript NM_013339.4 (MANE Select); coding-DNA position 1120, A replaced by G.
Protein change: p.Thr374Ala; replaces threonine 374 with alanine.
Molecular consequence: missense variant.
Genome position (GRCh38, 1-based): chr1:63,428,794, A>G. VCF-style: chr1-63428794-A-G. GRCh37 (hg19) VCF-style: chr1-63894465-A-G.
Other names: c.1120A>G, p.Thr374Ala (LRG_1260t1); short protein forms T374A.
Identifiers: ClinVar variation 434127 (VCV000434127.11), dbSNP rs368086400, ClinGen allele CA888376.
Genomic context (GRCh38, chr1:63,428,794, plus strand): 5'-CCAGTCTGCTTAGTTTTAAGTGAAATTCCTTTTATGTCTACTTGGTTTTTACTTGTGTCA[A>G]CATTTAGGTAAGTCATATCAATTTCCATATATTTTCAGTATAATTCTTGTAAACTAATTT-3'
Protein context (NP_037471.2, residues 364-384): FMSTWFLLVS[Thr374Ala]FSMLPLLLKD

ClinVar aggregate classification (germline): Uncertain significance. Review status: criteria provided, multiple submitters, no conflicts (2 of 4 stars). 4 submissions from 4 submitters: Uncertain significance (4). Last evaluated 2026-03-30.

Conditions:
Inborn genetic diseases. Identifiers: MedGen C0950123, MeSH D030342.
ALG6-congenital disorder of glycosylation 1C (CDG1C). Also called: CARBOHYDRATE-DEFICIENT GLYCOPROTEIN SYNDROME, TYPE I, WITH DEFICIENT GLYCOSYLATION OF DOLICHOL-LINKED OLIGOSACCHARIDE; CARBOHYDRATE-DEFICIENT GLYCOPROTEIN SYNDROME, TYPE V; Congenital disorder of glycosylation type 1C; Congenital disorder of glycosylation, type Ic; CDG Ic. Identifiers: Orphanet 79320, MedGen C2930997, MONDO:0011291, OMIM 603147.

Allele frequency attached by ClinVar (database versions not stated): gnomAD 0.00004; TOPMed 0.00009; ESP Exome Variant Server 0.00008; ExAC 0.00001.
gnomAD v4.1: 19 of 1,607,668 alleles (0.0012%); highest among the groups gnomAD compares: Admixed American, 0.025%; no homozygotes.

Submissions (4):

GeneDx
Classification: Uncertain significance. Last evaluated: 2026-03-30. Review status: criteria provided, single submitter. Criteria: GeneDx Variant Classification Process June 2021. Collection method: clinical testing. Allele origin: germline.
Comment: In silico analysis supports that this missense variant has a deleterious effect on protein structure/function; Has not been previously published as pathogenic or benign to our knowledge

Labcorp Genetics (formerly Invitae), Labcorp
Classification: Uncertain significance for ALG6-congenital disorder of glycosylation 1C. Last evaluated: 2022-08-31. Review status: criteria provided, single submitter. Criteria: Invitae Variant Classification Sherloc (09022015). Collection method: clinical testing. Allele origin: germline.
Comment: This sequence change replaces threonine, which is neutral and polar, with alanine, which is neutral and non-polar, at codon 374 of the ALG6 protein (p.Thr374Ala). This variant is present in population databases (rs368086400, gnomAD 0.03%). This variant has not been reported in the literature in individuals affected with ALG6-related conditions. ClinVar contains an entry for this variant (Variation ID: 434127). Algorithms developed to predict the effect of missense changes on protein structure and function are either unavailable or do not agree on the potential impact of this missense change (SIFT: "Tolerated"; PolyPhen-2: "Probably Damaging"; Align-GVGD: "Class C0"). Algorithms developed to predict the effect of sequence changes on RNA splicing suggest that this variant may create or strengthen a splice site. In summary, the available evidence is currently insufficient to determine the role of this variant in disease. Therefore, it has been classified as a Variant of Uncertain Significance.

Ambry Genetics
Classification: Uncertain significance for Inborn genetic diseases. Last evaluated: 2021-09-02. Review status: criteria provided, single submitter. Criteria: Ambry Variant Classification Scheme 2023. Collection method: clinical testing. Allele origin: germline.

Genetic Services Laboratory, University of Chicago
Classification: Uncertain significance. Last evaluated: 2016-06-30. Review status: criteria provided, single submitter. Criteria: ACMG Guidelines, 2015. Collection method: clinical testing. Allele origin: germline. Affected: no.